The following is an entry in ClinVar:

NM_016151.4(TAOK2):c.3677G>C (p.Arg1226Pro)

Gene: TAOK2 (TAO kinase 2; plus strand). Cytogenetic location: 16p11.2.
Variant type: single nucleotide variant.
Coding change: c.3677G>C on transcript NM_016151.4 (MANE Select); coding-DNA position 3677, G replaced by C.
Protein change: p.Arg1226Pro; replaces arginine 1226 with proline.
Molecular consequence: missense variant. On other transcripts: intron variant (1).
Genome position (GRCh38, 1-based): chr16:29,987,949, G>C. VCF-style: chr16-29987949-G-C. GRCh37 (hg19) VCF-style: chr16-29999270-G-C.
Other names: c.3677G>C (NM_016151.2); c.3338G>C, p.Arg1113Pro (NM_001252043.2); c.2232+1445G>C (NM_004783.4); short protein forms R1113P, R1226P.
Identifiers: ClinVar variation 2105776 (VCV002105776.6), dbSNP rs199646401, ClinGen allele CA7998630.
Genomic context (GRCh38, chr16:29,987,949, plus strand): 5'-GGCCCCCTGCCTCCCGCCAGCCACTGCCAGGGACTCTAGCCGGGCGGAGGTCACGCACCC[G>C]CCAGTCCCGGGCCCTGCCCCCCTGGAGGTAGCTGACTCCAGCCCTTCCAGCCCAAATCTA-3'
Protein context (NP_057235.2, residues 1216-1235): GTLAGRRSRT[Arg1226Pro]QSRALPPWR

ClinVar aggregate classification (germline): Uncertain significance. Review status: criteria provided, multiple submitters, no conflicts (2 of 4 stars). 2 submissions from 2 submitters: Uncertain significance (2). Last evaluated 2025-10-02.

gnomAD v4.1: 6 of 1,547,616 alleles (0.00039%); highest among the groups gnomAD compares: Non-Finnish European, 0.00043%; no homozygotes.

Submissions (2):

Labcorp Genetics (formerly Invitae), Labcorp
Classification: Uncertain significance. Last evaluated: 2025-10-02. Review status: criteria provided, single submitter. Criteria: Invitae Variant Classification Sherloc (09022015). Collection method: clinical testing. Allele origin: germline.
Comment: This sequence change replaces arginine, which is basic and polar, with proline, which is neutral and non-polar, at codon 1226 of the TAOK2 protein (p.Arg1226Pro). The frequency data for this variant in the population databases is considered unreliable, as metrics indicate poor data quality at this position in the gnomAD database. This variant has not been reported in the literature in individuals affected with TAOK2-related conditions. ClinVar contains an entry for this variant (Variation ID: 2105776). An algorithm developed to predict the effect of missense changes on protein structure and function (PolyPhen-2) suggests that this variant is likely to be disruptive. In summary, the available evidence is currently insufficient to determine the role of this variant in disease. Therefore, it has been classified as a Variant of Uncertain Significance.

Ambry Genetics
Classification: Uncertain significance. Last evaluated: 2023-05-16. Review status: criteria provided, single submitter. Criteria: Ambry Variant Classification Scheme 2023. Collection method: clinical testing. Allele origin: germline.